The following is an entry in ClinVar:

ClinVar aggregate classification (germline): Likely pathogenic (1 of 4 stars; one submission).

Conditions:
Usher syndrome type 1C. Also called: USHER SYNDROME, TYPE I, ACADIAN VARIETY. Identifiers: Orphanet 231169, Orphanet 886, MedGen C1848604, MONDO:0010171, OMIM 276904.

Submission:

Myriad Genetics, Inc.
Classification: Likely pathogenic for Usher syndrome type 1C. Last evaluated: 2021-12-17. Review status: criteria provided, single submitter. Criteria: Myriad Women's Health Autosomal Recessive and X-Linked Classification Criteria (2021). Collection method: clinical testing. Allele origin: unknown.
Comment: NM_005709.3(USH1C):c.1524_1531del8(K508Nfs*7) is expected to be pathogenic in the context of USH1C-related disorders. This variant is predicted to lead to an abnormal or absent protein product due to the creation of a premature termination codon in USH1C, a gene where loss-of-function variants are known to be pathogenic. Please note: this variant was assessed in the context of healthy population screening.

NM_153676.4(USH1C):c.2424_2431del (p.Lys808fs)

Gene: USH1C (USH1 protein network component harmonin; minus strand). Cytogenetic location: 11p15.1.
Variant type: Deletion.
Coding change: c.2424_2431del on transcript NM_153676.4 (MANE Select); coding-DNA positions 2424 to 2431, 8 bases deleted (GATTGTGA; older notation c.2424_2431delGATTGTGA).
Protein change: p.Lys808fs; shifts the reading frame from lysine 808.
Molecular consequence: frameshift variant. On other transcripts: non-coding transcript variant (1).
Genome position (GRCh38, 1-based): chr11:17,498,221-17,498,228, TCACAATC deleted on the plus strand (GATTGTGA on the coding strand, the reverse complement: USH1C is on the minus strand); deleting any 8 consecutive bases within chr11:17,498,221-17,498,229 gives the same sequence; the c. name uses the placement nearest the transcript's 3' end. VCF-style (leftmost placement, unchanged base first): chr11-17498220-GTCACAATC-G. GRCh37 (hg19) VCF-style: chr11-17519767-GTCACAATC-G.
Other names: c.1467_1474del, p.Lys489fs (NM_001297764.2); c.1524_1531del, p.Lys508fs (NM_005709.4); short protein forms K489fs, K508fs, K808fs.
Identifiers: ClinVar variation 1726459 (VCV001726459.2), dbSNP rs2496983474, ClinGen allele CA2580082884.